The following is an entry in ClinVar:

NM_004991.4(MECOM):c.3056G>T (p.Ser1019Ile)

Gene: MECOM (MDS1 and EVI1 complex locus; minus strand). Cytogenetic location: 3q26.2.
Variant type: single nucleotide variant.
Coding change: c.3056G>T on transcript NM_004991.4 (MANE Select); coding-DNA position 3056, G replaced by T.
Protein change: p.Ser1019Ile; replaces serine 1019 with isoleucine.
Molecular consequence: missense variant.
Genome position (GRCh38, 1-based): chr3:169,093,066, C>A on the plus strand (G>T on the coding strand, the complement: MECOM is on the minus strand). VCF-style: chr3-169093066-C-A. GRCh37 (hg19) VCF-style: chr3-168810854-C-A.
Other names: c.2687G>T, p.Ser896Ile (NM_001105077.4); c.2492G>T, p.Ser831Ile (NM_001105078.4, NM_001205194.2, NM_001366469.2 and 1 more transcripts); c.2468G>T, p.Ser823Ile (NM_001163999.2, NM_001366470.2); c.2465G>T, p.Ser822Ile (NM_001164000.2, NM_001366471.2, NM_001366472.2); c.3029G>T, p.Ser1010Ile (NM_001366466.2); c.2495G>T, p.Ser832Ile (NM_001366467.2, NM_001366468.2); c.2057G>T, p.Ser686Ile (NM_001366473.2); c.1493G>T, p.Ser498Ile (NM_001366474.2); short protein forms S1010I, S1019I, S822I, S823I, S831I, S832I, S686I, S896I.
Identifiers: ClinVar variation 4053254 (VCV004053254.1).

ClinVar aggregate classification (germline): Uncertain significance (1 of 4 stars; one submission).

Conditions:
Inborn genetic diseases. Identifiers: MedGen C0950123, MeSH D030342.

Submission:

Ambry Genetics
Classification: Uncertain significance for Inborn genetic diseases. Last evaluated: 2025-05-17. Review status: criteria provided, single submitter. Criteria: Ambry Variant Classification Scheme 2023. Collection method: clinical testing. Allele origin: germline.
Comment: The p.S1019I variant (also known as c.3056G>T), located in coding exon 14 of the MECOM gene, results from a G to T substitution at nucleotide position 3056. The serine at codon 1019 is replaced by isoleucine, an amino acid with dissimilar properties. This amino acid position is conserved. In addition, this alteration is predicted to be tolerated by in silico analysis. Based on the available evidence, the clinical significance of this variant remains unclear.